The following is an entry in ClinVar:

ClinVar aggregate classification (germline): Likely benign (1 of 4 stars; one submission).

Allele frequency attached by ClinVar (database versions not stated): ExAC 0.00001.
gnomAD v4.1: 4 of 1,606,308 alleles (0.00025%); highest among the groups gnomAD compares: Non-Finnish European, 0.00034%; no homozygotes.

Submission:

CeGaT Center for Human Genetics Tuebingen
Classification: Likely benign. Last evaluated: 2023-07-01. Review status: criteria provided, single submitter. Criteria: CeGaT Center For Human Genetics Tuebingen Variant Classification Criteria Version 2. Collection method: clinical testing. Allele origin: germline. Affected: yes. Observed: 1 variant allele.
Comment: KMT2C: BP5

NM_170606.3(KMT2C):c.9976C>A (p.Pro3326Thr)

Gene: KMT2C (lysine methyltransferase 2C; minus strand). Cytogenetic location: 7q36.1.
Variant type: single nucleotide variant.
Coding change: c.9976C>A on transcript NM_170606.3 (MANE Select); coding-DNA position 9976, C replaced by A.
Protein change: p.Pro3326Thr; replaces proline 3326 with threonine.
Molecular consequence: missense variant.
Genome position (GRCh38, 1-based): chr7:152,163,601, G>T on the plus strand (C>A on the coding strand, the complement: KMT2C is on the minus strand). VCF-style: chr7-152163601-G-T. GRCh37 (hg19) VCF-style: chr7-151860686-G-T.
Other names: short protein forms P3326T.
Identifiers: ClinVar variation 2658204 (VCV002658204.24), dbSNP rs757102196, ClinGen allele CA4579371.